The following is an entry in ClinVar:

NM_001370259.2(MEN1):c.18C>G (p.Ala6=)

Gene: MEN1 (menin 1; minus strand). Cytogenetic location: 11q13.1.
Variant type: single nucleotide variant.
Coding change: c.18C>G on transcript NM_001370259.2 (MANE Select); coding-DNA position 18, C replaced by G.
Protein change: p.Ala6=; no amino-acid change (alanine 6 retained).
Molecular consequence: synonymous variant. On other transcripts: non-coding transcript variant (4).
Genome position (GRCh38, 1-based): chr11:64,810,092, G>C on the plus strand (C>G on the coding strand, the complement: MEN1 is on the minus strand). VCF-style: chr11-64810092-G-C. GRCh37 (hg19) VCF-style: chr11-64577564-G-C.
Other names: c.18C>G, p.Ala6= (NM_000244.4, NM_001370251.2, NM_001370260.2 and 20 more transcripts).
Identifiers: ClinVar variation 2450222 (VCV002450222.4), dbSNP rs369348210, ClinGen allele CA475163363.

ClinVar aggregate classification (germline): Benign/Likely benign. Review status: criteria provided, multiple submitters, no conflicts (2 of 4 stars). 3 submissions from 3 submitters: Benign (1); Likely benign (2). Last evaluated 2025-12-29.

Conditions:
Multiple endocrine neoplasia, type 1 (MEN1). Also called: MEN I; WERMER SYNDROME; MEA I; Endocrine adenomatosis multiple; MEN 1. Identifiers: Orphanet 652, MedGen C0025267, MeSH D018761, MONDO:0007540, OMIM 131100.
Hereditary cancer-predisposing syndrome. Also called: Hereditary neoplastic syndrome; Tumor predisposition; Neoplastic Syndromes, Hereditary; Hereditary Cancer Syndrome. Identifiers: Orphanet 140162, MedGen C0027672, MeSH D009386, MONDO:0015356.

Submissions (3):

Labcorp Genetics (formerly Invitae), Labcorp
Classification: Likely benign for Multiple endocrine neoplasia, type 1. Last evaluated: 2025-12-29. Review status: criteria provided, single submitter. Criteria: Invitae Variant Classification Sherloc (09022015). Collection method: clinical testing. Allele origin: germline.

Myriad Genetics, Inc.
Classification: Benign for Multiple endocrine neoplasia, type 1. Last evaluated: 2024-10-31. Review status: criteria provided, single submitter. Criteria: Myriad Autosomal Dominant, Autosomal Recessive and X-Linked Classification Criteria (2023). Collection method: clinical testing. Allele origin: unknown.
Comment: This variant is considered benign. This variant is a silent/synonymous amino acid change and it is not expected to impact splicing.

Ambry Genetics
Classification: Likely benign for Hereditary cancer-predisposing syndrome. Last evaluated: 2022-12-12. Review status: criteria provided, single submitter. Criteria: Ambry Variant Classification Scheme 2023. Collection method: clinical testing. Allele origin: germline.